The following is an entry in ClinVar:

ClinVar aggregate classification (germline): Uncertain significance (1 of 4 stars; one submission).

Conditions:
Neuroblastoma, susceptibility to, 3. Also called: ALK-Related Neuroblastic Tumor Susceptibility. Identifiers: Orphanet 635, MedGen C2751681, MONDO:0013083, OMIM 613014.

gnomAD v4.1: 2 of 1,614,190 alleles (0.00012%); highest among the groups gnomAD compares: Non-Finnish European, 0.00017%; no homozygotes.

Submission:

Labcorp Genetics (formerly Invitae), Labcorp
Classification: Uncertain significance for Neuroblastoma, susceptibility to, 3. Last evaluated: 2024-04-03. Review status: criteria provided, single submitter. Criteria: Invitae Variant Classification Sherloc (09022015). Collection method: clinical testing. Allele origin: germline.
Comment: This sequence change replaces phenylalanine, which is neutral and non-polar, with cysteine, which is neutral and slightly polar, at codon 1572 of the ALK protein (p.Phe1572Cys). This variant is not present in population databases (gnomAD no frequency). This variant has not been reported in the literature in individuals affected with ALK-related conditions. An algorithm developed to predict the effect of missense changes on protein structure and function (PolyPhen-2) suggests that this variant is likely to be disruptive. In summary, the available evidence is currently insufficient to determine the role of this variant in disease. Therefore, it has been classified as a Variant of Uncertain Significance.

NM_004304.5(ALK):c.4715T>G (p.Phe1572Cys)

Gene: ALK (ALK receptor tyrosine kinase; minus strand). Cytogenetic location: 2p23.2.
Variant type: single nucleotide variant.
Coding change: c.4715T>G on transcript NM_004304.5 (MANE Select); coding-DNA position 4715, T replaced by G.
Protein change: p.Phe1572Cys; replaces phenylalanine 1572 with cysteine.
Molecular consequence: missense variant.
Genome position (GRCh38, 1-based): chr2:29,193,372, A>C on the plus strand (T>G on the coding strand, the complement: ALK is on the minus strand). VCF-style: chr2-29193372-A-C. GRCh37 (hg19) VCF-style: chr2-29416238-A-C.
Other names: c.1511T>G, p.Phe504Cys (NM_001353765.2); short protein forms F504C, F1572C.
Identifiers: ClinVar variation 3648597 (VCV003648597.2).